The following is an entry in ClinVar:

NM_001035.3(RYR2):c.2730CAA[1] (p.Asn911del)

Gene: RYR2 (ryanodine receptor 2; plus strand). Cytogenetic location: 1q43.
Variant type: Microsatellite.
Coding change: c.2730CAA[1] on transcript NM_001035.3 (MANE Select); one copy of the 3-base unit CAA starting at c.2730; the reference has two copies in a row; one copy, 3 bases deleted.
Protein change: p.Asn911del; deletes asparagine 911.
Molecular consequence: inframe deletion.
Genome position (GRCh38, 1-based): chr1:237,511,702-237,511,704, CAA deleted; deleting any 3 consecutive bases within chr1:237,511,698-237,511,704 gives the same sequence; the position shown is the placement nearest the transcript's 3' end. VCF-style (leftmost placement, unchanged base first): chr1-237511697-GACA-G. GRCh37 (hg19) VCF-style: chr1-237674997-GACA-G.
Other names: short protein forms N911del.
Identifiers: ClinVar variation 3069214 (VCV003069214.1), dbSNP rs2545965858, ClinGen allele CA2574461533.
Genomic context (GRCh38, chr1:237,511,697, plus strand): 5'-TAGTGCCTGGCATTGGAGACTATTTTATGTCAATTTCCTGTCCTGTTTCAGGTTAGAGAT[GACA>G]ACAAGAGACAACACCCATGCCTGGTGGAGTTCTCCAAGCTGCCTGAACAGGAGCGCAATT-3'

ClinVar aggregate classification (germline): Uncertain significance (1 of 4 stars; one submission).

Conditions:
Catecholaminergic polymorphic ventricular tachycardia (CVPT). Also called: Catecholamine-induced polymorphic ventricular tachycardia. Identifiers: Orphanet 3286, MedGen C5574922, MONDO:0017990.

Submission:

All of Us Research Program, National Institutes of Health
Classification: Uncertain significance for Catecholaminergic polymorphic ventricular tachycardia. Last evaluated: 2023-10-02. Review status: criteria provided, single submitter. Criteria: ACMG Guidelines, 2015. Collection method: clinical testing. Allele origin: germline. Inheritance: Autosomal dominant inheritance. Observed: 2 variant alleles, 2 heterozygotes.
Comment: This variant causes an in-frame deletion of one amino acid of the RYR2 protein. To our knowledge, functional studies have not been reported for this variant. This variant has not been reported in individuals affected with RYR2-related disorders in the literature. This variant has not been identified in the general population by the Genome Aggregation Database (gnomAD). The available evidence is insufficient to determine the role of this variant in disease conclusively. Therefore, this variant is classified as a Variant of Uncertain Significance.

This study involves interpretation of variants in research participants for the purpose of population health screening. Participant phenotype was not available at the time of variant classification. Additional details can be found in publication PMID: 35346344, PMCID: PMC8962531